The following is an entry in ClinVar:

ClinVar aggregate classification (germline): Uncertain significance (1 of 4 stars; one submission).

Submission:

GeneDx
Classification: Uncertain significance. Last evaluated: 2025-06-04. Review status: criteria provided, single submitter. Criteria: GeneDx Variant Classification Process June 2021. Collection method: clinical testing. Allele origin: germline. Affected: yes.
Comment: Not observed at significant frequency in large population cohorts (gnomAD); In silico analysis suggests that this missense variant does not alter protein structure/function; Has not been previously published as pathogenic or benign to our knowledge

NM_001348716.2(KDM6B):c.2431C>A (p.Leu811Met)

Gene: KDM6B (lysine demethylase 6B; plus strand). Cytogenetic location: 17p13.1.
Variant type: single nucleotide variant.
Coding change: c.2431C>A on transcript NM_001348716.2 (MANE Select); coding-DNA position 2431, C replaced by A.
Protein change: p.Leu811Met; replaces leucine 811 with methionine.
Molecular consequence: missense variant.
Genome position (GRCh38, 1-based): chr17:7,848,719, C>A. VCF-style: chr17-7848719-C-A. GRCh37 (hg19) VCF-style: chr17-7752037-C-A.
Other names: c.2431C>A, p.Leu811Met (NM_001080424.2); short protein forms L811M.
Identifiers: ClinVar variation 4536524 (VCV004536524.1).